The following is an entry in ClinVar:

NM_002857.4(PEX19):c.*1802G>C

Gene: PEX19 (peroxisomal biogenesis factor 19; minus strand). Cytogenetic location: 1q23.2.
Variant type: single nucleotide variant.
Coding change: c.*1802G>C on transcript NM_002857.4 (MANE Select); 1802 bases downstream of the stop codon, G replaced by C.
Molecular consequence: 3 prime UTR variant. On other transcripts: non-coding transcript variant (2).
Genome position (GRCh38, 1-based): chr1:160,277,749, C>G on the plus strand (G>C on the coding strand, the complement: PEX19 is on the minus strand). VCF-style: chr1-160277749-C-G. GRCh37 (hg19) VCF-style: chr1-160247539-C-G.
Other names: c.*1810G>C (NM_001193644.1).
Identifiers: ClinVar variation 874147 (VCV000874147.4), dbSNP rs745362133, ClinGen allele CA1197088.

ClinVar aggregate classification (germline): Likely benign (1 of 4 stars; one submission).

Conditions:
Peroxisome biogenesis disorder 12A (Zellweger). Also called: Peroxisome biogenesis disorder 12A. Identifiers: Orphanet 912, MedGen C3554002, MONDO:0013951, OMIM 614886.

Allele frequency attached by ClinVar (database versions not stated): TOPMed 0.00069; gnomAD 0.00076 and 0.00079; gnomAD exomes 0.00102 and 0.00169; ExAC 0.00409.

Submission:

Illumina Laboratory Services, Illumina
Classification: Likely benign for Peroxisome biogenesis disorder 12A (Zellweger). Last evaluated: 2018-01-13. Review status: criteria provided, single submitter. Criteria: ICSL Variant Classification Criteria 13 December 2019. Collection method: clinical testing. Allele origin: germline.
Comment: This variant was observed in the ICSL laboratory as part of a predisposition screen in an ostensibly healthy population. It had not been previously curated by ICSL or reported in the Human Gene Mutation Database (HGMD: prior to June 1st, 2018), and was therefore a candidate for classification through an automated scoring system. Utilizing variant allele frequency, disease prevalence and penetrance estimates, and inheritance mode, an automated score was calculated to assess if this variant is too frequent to cause the disease. Based on the score and internal cut-off values, a variant classified as likely benign is not then subjected to further curation. The score for this variant resulted in a classification of likely benign for this disease.